The following is an entry in ClinVar:

NM_003060.4(SLC22A5):c.1568A>G (p.Gln523Arg)

Gene: SLC22A5 (solute carrier family 22 member 5; plus strand). Cytogenetic location: 5q31.1.
Variant type: single nucleotide variant.
Coding change: c.1568A>G on transcript NM_003060.4 (MANE Select); coding-DNA position 1568, A replaced by G.
Protein change: p.Gln523Arg; replaces glutamine 523 with arginine.
Molecular consequence: missense variant.
Genome position (GRCh38, 1-based): chr5:132,393,793, A>G. VCF-style: chr5-132393793-A-G. GRCh37 (hg19) VCF-style: chr5-131729485-A-G.
Other names: p.Gln523Arg; c.1568A>G (NM_003060.3); c.1640A>G, p.Gln547Arg (NM_001308122.2); short protein forms Q523R, Q547R.
Identifiers: ClinVar variation 990996 (VCV000990996.7), dbSNP rs28383482, ClinGen allele CA3404199.

ClinVar aggregate classification (germline): Uncertain significance. Review status: criteria provided, multiple submitters, no conflicts (2 of 4 stars). 5 submissions from 5 submitters: Uncertain significance (4). 1 of the submissions does not count toward it. Last evaluated 2022-10-03.

Conditions:
Renal carnitine transport defect (CDSP). Also called: Carnitine transporter deficiency; Carnitine Deficiency, Systemic; CARNITINE DEFICIENCY, SYSTEMIC, DUE TO DEFECT IN RENAL REABSORPTION OF CARNITINE; CARNITINE TRANSPORTER, PLASMA-MEMBRANE, DEFICIENCY OF; CARNITINE UPTAKE DEFECT; Primary carnitine deficiency. Identifiers: Orphanet 158, MedGen C0342788, MONDO:0008919, OMIM 212140.

Allele frequency attached by ClinVar (database versions not stated): gnomAD exomes 0.00003 and 0.00007; ExAC 0.00004; gnomAD 0.00007 and 0.00008; TOPMed 0.00007.
gnomAD v4.1: 110 of 1,614,048 alleles (0.0068%); highest among the groups gnomAD compares: Non-Finnish European, 0.0087%; no homozygotes.

Submissions (5):

Giacomini Lab, University of California, San Francisco
Classification: Uncertain significance for Renal carnitine transport defect. Last evaluated: 2022-10-03. Review status: criteria provided, single submitter. Criteria: ACMG Guidelines, 2015. Collection method: research, in vitro. Allele origin: germline, not applicable.

Labcorp Genetics (formerly Invitae), Labcorp
Classification: Uncertain significance for Renal carnitine transport defect. Last evaluated: 2022-08-16. Review status: criteria provided, single submitter. Criteria: Invitae Variant Classification Sherloc (09022015). Collection method: clinical testing. Allele origin: germline.
Comment: This sequence change replaces glutamine, which is neutral and polar, with arginine, which is basic and polar, at codon 523 of the SLC22A5 protein (p.Gln523Arg). This variant is present in population databases (rs28383482, gnomAD 0.006%). This variant has not been reported in the literature in individuals affected with SLC22A5-related conditions. ClinVar contains an entry for this variant (Variation ID: 990996). Advanced modeling of protein sequence and biophysical properties (such as structural, functional, and spatial information, amino acid conservation, physicochemical variation, residue mobility, and thermodynamic stability) performed at Invitae indicates that this missense variant is expected to disrupt SLC22A5 protein function. In summary, the available evidence is currently insufficient to determine the role of this variant in disease. Therefore, it has been classified as a Variant of Uncertain Significance.

GeneDx
Classification: Uncertain significance. Last evaluated: 2022-02-28. Review status: criteria provided, single submitter. Criteria: GeneDx Variant Classification Process June 2021. Collection method: clinical testing. Allele origin: germline. Affected: yes.
Comment: Not observed at significant frequency in large population cohorts (gnomAD); In silico analysis supports that this missense variant has a deleterious effect on protein structure/function; Has not been previously published as pathogenic or benign to our knowledge

Fulgent Genetics
Classification: Uncertain significance for Renal carnitine transport defect. Last evaluated: 2022-02-07. Review status: criteria provided, single submitter. Criteria: ACMG Guidelines, 2015. Collection method: clinical testing. Allele origin: unknown.

Natera, Inc.
Classification: Uncertain significance for Primary systemic carnitine deficiency. Last evaluated: 2020-09-12. Review status: no assertion criteria provided. Collection method: clinical testing. Allele origin: germline. Not counted in ClinVar's aggregate classification.